The following is an entry in ClinVar:

ClinVar aggregate classification (germline): Pathogenic/Likely pathogenic. Review status: criteria provided, multiple submitters, no conflicts (2 of 4 stars). 3 submissions from 3 submitters: Pathogenic (1); Likely pathogenic (1). 1 of the submissions does not count toward it. Last evaluated 2026-10-22.

Conditions:
DEAF1-related disorder.

Allele frequency attached by ClinVar (database versions not stated): TOPMed 0.00001; gnomAD exomes 0.00001; gnomAD 0.00001.
gnomAD v4.1: 13 of 1,614,002 alleles (0.00081%); highest among the groups gnomAD compares: Non-Finnish European, 0.0011%; no homozygotes.

Submissions (3):

GeneDx
Classification: Likely pathogenic. Last evaluated: 2026-10-22. Review status: criteria provided, single submitter. Criteria: GeneDx Variant Classification Process June 2021. Collection method: clinical testing. Allele origin: germline.
Comment: Observed in one individual from a large cohort of individuals with autism spectrum disorder (PMID: 36368308); Nonsense variant predicted to result in protein truncation or nonsense mediated decay in a gene for which loss of function is a known mechanism of disease; Not observed at significant frequency in large population cohorts (gnomAD); This variant is associated with the following publications: (PMID: 36368308)

Labcorp Genetics (formerly Invitae), Labcorp
Classification: Pathogenic. Last evaluated: 2025-08-06. Review status: criteria provided, single submitter. Criteria: Invitae Variant Classification Sherloc (09022015). Collection method: clinical testing. Allele origin: germline.
Comment: This sequence change creates a premature translational stop signal (p.Arg484*) in the DEAF1 gene. It is expected to result in an absent or disrupted protein product. Loss-of-function variants in DEAF1 are known to be pathogenic (PMID: 30923367). This variant is present in population databases (no rsID available, gnomAD 0.002%). This premature translational stop signal has been observed in individual(s) with autism (PMID: 36368308). ClinVar contains an entry for this variant (Variation ID: 1334354). For these reasons, this variant has been classified as Pathogenic.

PreventionGenetics, part of Exact Sciences
Classification: Likely pathogenic for DEAF1-related condition. Last evaluated: 2024-05-04. Review status: no assertion criteria provided. Collection method: clinical testing. Allele origin: germline. Not counted in ClinVar's aggregate classification.
Comment: The DEAF1 c.1450C>T variant is predicted to result in premature protein termination (p.Arg484*). To our knowledge, this variant has not been reported in the literature. Other early termination changes in this region, up and downstream of this change, have been reported in association with autosomal recessive DEAF1-related neurodevelopmental disorder with hypotonia, impaired expressive language, and with or without seizures, but not with autosomal dominant Vulto-van Silfout-de Vries syndrome (Nabais Sá et al. 2019. PubMed ID: 30923367). This variant is reported in 0.0018% of alleles in individuals of European (Non-Finnish) descent in gnomAD (i.e. 13 heterozygous individuals of unknown phenotype in the v4 gnomAD dataset), which also calls its relevance into question with regard to autosomal dominant disease. Nonsense variants in DEAF1 are expected to be pathogenic. This variant is interpreted as likely pathogenic for association with autosomal recessive disease. With regard to autosomal dominant disease, this remains a variant of uncertain significance.

Literature cited by the submitters: PubMed 30923367 (cited by Labcorp Genetics (formerly Invitae), Labcorp); PubMed 36368308 (cited by Labcorp Genetics (formerly Invitae), Labcorp).

NM_021008.4(DEAF1):c.1450C>T (p.Arg484Ter)

Genes: DEAF1 (DEAF1 transcription factor; minus strand), LOC126861109 (BRD4-independent group 4 enhancer GRCh37_chr11:673917-675116; plus strand). Cytogenetic location: 11p15.5.
Variant type: single nucleotide variant.
Coding change: c.1450C>T on transcript NM_021008.4 (MANE Select); coding-DNA position 1450, C replaced by T.
Protein change: p.Arg484Ter; replaces arginine 484 with a stop codon.
Molecular consequence: nonsense.
Genome position (GRCh38, 1-based): chr11:674,589, G>A on the plus strand (C>T on the coding strand, the complement: DEAF1 is on the minus strand). VCF-style: chr11-674589-G-A. GRCh37 (hg19) VCF-style: chr11-674589-G-A.
Other names: c.1183C>T, p.Arg395Ter (NM_001293634.2); c.724C>T, p.Arg242Ter (NM_001367390.1); short protein forms R242*, R395*, R484*.
Identifiers: ClinVar variation 1334354 (VCV001334354.12), dbSNP rs949860707, ClinGen allele CA216901048.